The following is an entry in ClinVar:

NM_001127208.3(TET2):c.5618T>C (p.Ile1873Thr)

Genes: TET2 (tet methylcytosine dioxygenase 2; plus strand), TET2-AS1 (TET2 antisense RNA 1; minus strand). Cytogenetic location: 4q24.
Variant type: single nucleotide variant.
Coding change: c.5618T>C on transcript NM_001127208.3 (MANE Select); coding-DNA position 5618, T replaced by C.
Protein change: p.Ile1873Thr; replaces isoleucine 1873 with threonine.
Molecular consequence: missense variant.
Genome position (GRCh38, 1-based): chr4:105,276,128, T>C. VCF-style: chr4-105276128-T-C. GRCh37 (hg19) VCF-style: chr4-106197285-T-C.
Other names: short protein forms I1873T.
Identifiers: ClinVar variation 2416868 (VCV002416868.10), dbSNP rs116519313, ClinGen allele CA102739073.

ClinVar aggregate classification (germline): Uncertain significance. Review status: criteria provided, single submitter (1 of 4 stars). 3 submissions from 3 submitters: Uncertain significance (1). 2 of the submissions do not count toward it. Last evaluated 2025-12-10.
ClinVar aggregate classification (oncogenicity): Uncertain significance (1 of 4 stars; one submission).

Conditions:
EBV-positive nodal T- and NK-cell lymphoma.
Atypical chronic myeloid leukemia, BCR-ABL1 negative (ACML). Also called: Atypical chronic myeloid leukemia. Identifiers: Orphanet 98824, MedGen C1292772, MONDO:0004653.
Acute myeloid leukemia (AML). Also called: Acute myeloid leukemia, adult; AML adult; Acute non-lymphocytic leukemia; Acute granulocytic leukemia; Leukemia, acute myeloid, somatic; Leukemia, acute myelogenous, somatic. Identifiers: Orphanet 519, MedGen C0023467, MeSH D015470, MONDO:0018874, OMIM 601626, HP:0004808. Disease mechanism: Constitutively activated FLT3.

Allele frequency attached by ClinVar (database versions not stated): 1000 Genomes Project 30x 0.00031; 1000 Genomes Project 0.00020.
gnomAD v4.1: 44 of 1,551,392 alleles (0.0028%); highest among the groups gnomAD compares: Non-Finnish European, 0.0032%; no homozygotes.

Submissions (4):

Center for Virology of Infectious and Tropical Diseases (CVMIT), Mohammed V Military Teaching Hospital
Classification: Uncertain significance for Acute myeloid leukemia. Last evaluated: 2026-10-26. Review status: criteria provided, single submitter. Criteria: ClinGen/CGC/VICC Guidelines for Oncogenicity, 2022. Collection method: research. Allele origin: somatic. Affected: yes. Observed: 1 variant allele.
Comment: TET2 p.Ile1873Thr. Oncogenicity classified with the ClinGen/CGC/VICC SOP (Horak et al. 2022, PMID:35101336). Criteria applied: Missense variant in the TET2 catalytic region, previously reported in myeloid neoplasms (PMID:21057493); concordant in silico predictions (CADD 26.1, AlphaMissense likely pathogenic 0.979, SIFT deleterious, PolyPhen probably damaging) (OP1). OP4 not applied: present in gnomAD v4 (AF 2.8e-5). No variant-specific functional data. VAF 42.1% may indicate a germline origin. Total 1 points (Uncertain significance). ClinVar at analysis (release 2022-07-09, used by Ion Reporter): not present. Current record: ClinVar VCV002416868.9 (consulted 2026-10-29): germline classification Uncertain significance.

Labcorp Genetics (formerly Invitae), Labcorp
Classification: Uncertain significance. Last evaluated: 2025-12-10. Review status: criteria provided, single submitter. Criteria: Invitae Variant Classification Sherloc (09022015). Collection method: clinical testing. Allele origin: germline.
Comment: This sequence change replaces isoleucine, which is neutral and non-polar, with threonine, which is neutral and polar, at codon 1873 of the TET2 protein (p.Ile1873Thr). The frequency data for this variant in the population databases is considered unreliable, as metrics indicate poor data quality at this position in the gnomAD database. This missense change has been observed in individual(s) with systemic mastocytosis with associated non-mast cell lineage disease (PMID: 22905207). ClinVar contains an entry for this variant (Variation ID: 2416868). An algorithm developed to predict the effect of missense changes on protein structure and function (PolyPhen-2) suggests that this variant is likely to be disruptive. Experimental studies have shown that this missense change affects TET2 function (PMID: 24697267). In summary, the available evidence is currently insufficient to determine the role of this variant in disease. Therefore, it has been classified as a Variant of Uncertain Significance.

Institute of Laboratory Medicine, Hospital Wels-Grieskirchen
Classification: Pathogenic for Atypical chronic myeloid leukemia, BCR-ABL1 negative. Last evaluated: 2022-04-20. Review status: no assertion criteria provided. Collection method: clinical testing. Allele origin: somatic. Affected: yes. Not counted in ClinVar's aggregate classification.

Department of Clinical Pathology, School of Medicine, Fujita Health University
Classification: Pathogenic for EBV-positive nodal T- and NK-cell lymphoma. Review status: no assertion criteria provided. Collection method: research. Allele origin: unknown. Affected: yes. Not counted in ClinVar's aggregate classification.

Literature cited by the submitters: PubMed 21057493 (cited by Center for Virology of Infectious and Tropical Diseases (CVMIT), Mohammed V Military Teaching Hospital); PubMed 22905207 (cited by Labcorp Genetics (formerly Invitae), Labcorp); PubMed 24697267 (cited by Labcorp Genetics (formerly Invitae), Labcorp).